The following is an entry in ClinVar:

ClinVar aggregate classification (germline): Conflicting classifications of pathogenicity. Review status: criteria provided, conflicting classifications (1 of 4 stars). 9 submissions from 9 submitters: Uncertain significance (6); Likely benign (1). 2 of the submissions do not count toward it. Last evaluated 2026-01-11.

Conditions:
Breast-ovarian cancer, familial, susceptibility to, 1 (BROVCA1). Also called: BRCA1 Hereditary Breast and Ovarian Cancer; OVARIAN CANCER, SUSCEPTIBILITY TO. Identifiers: Orphanet 145, MedGen C2676676, MONDO:0011450, OMIM 604370. Disease mechanism: loss of function.
Hereditary breast ovarian cancer syndrome. Also called: Hereditary breast and ovarian cancer; Hereditary breast and ovarian cancer syndrome; Hereditary breast and ovarian cancer syndrome (HBOC); Breast and ovarian cancer; BRCA1- and BRCA2-Associated Hereditary Breast and Ovarian Cancer; Hereditary breast and/or ovarian cancer syndrome. Identifiers: Orphanet 145, MedGen C0677776, MeSH D061325, MONDO:0003582. Disease mechanism: loss of function.
Hereditary cancer-predisposing syndrome. Also called: Tumor predisposition; Neoplastic Syndromes, Hereditary; Hereditary Cancer Syndrome; Hereditary neoplastic syndrome. Identifiers: Orphanet 140162, MedGen C0027672, MeSH D009386, MONDO:0015356.
Burkitt lymphoma (BL). Identifiers: Orphanet 543, MedGen C0006413, MONDO:0007243, OMIM 113970, HP:0030080.

Allele frequency attached by ClinVar (database versions not stated): gnomAD exomes below 0.00001; ExAC 0.00001; gnomAD 0.00001.
gnomAD v4.1: 2 of 1,614,020 alleles (0.00012%); highest among the groups gnomAD compares: Non-Finnish European, 0.00017%; no homozygotes.

Submissions (9):

Labcorp Genetics (formerly Invitae), Labcorp
Classification: Uncertain significance for Hereditary breast ovarian cancer syndrome. Last evaluated: 2026-01-11. Review status: criteria provided, single submitter. Criteria: Invitae Variant Classification Sherloc (09022015). Collection method: clinical testing. Allele origin: germline.
Comment: This sequence change replaces glutamic acid, which is acidic and polar, with glycine, which is neutral and non-polar, at codon 962 of the BRCA1 protein (p.Glu962Gly). This variant is present in population databases (rs780367532, gnomAD 0.002%). This missense change has been observed in individual(s) with breast and/or ovarian cancer (PMID: 17262179). This variant is also known as c.3004A>G. ClinVar contains an entry for this variant (Variation ID: 574001). Invitae Evidence Modeling of protein sequence and biophysical properties (such as structural, functional, and spatial information, amino acid conservation, physicochemical variation, residue mobility, and thermodynamic stability) indicates that this missense variant is expected to disrupt BRCA1 protein function with a positive predictive value of 80%. In summary, the available evidence is currently insufficient to determine the role of this variant in disease. Therefore, it has been classified as a Variant of Uncertain Significance.

Dasa
Classification: Uncertain significance for Breast-ovarian cancer, familial, susceptibility to, 1. Last evaluated: 2025-06-25. Review status: criteria provided, single submitter. Criteria: DASA Assertion Criteria. Collection method: clinical testing. Allele origin: germline.
Comment: NM_007294.4(BRCA1):c.2885A>G (p.Glu962Gly) is a missense variant that results in the substitution of glutamic acid with glycine. This variant is rare in population databases. The currently available literature and clinical evidence are not sufficient to establish a definitive association between this variant and the reported condition. Therefore, this variant is classified as a variant of uncertain significance.

All of Us Research Program, National Institutes of Health
Classification: Uncertain significance for Breast-ovarian cancer, familial, susceptibility to, 1. Last evaluated: 2023-11-02. Review status: criteria provided, single submitter. Criteria: ACMG Guidelines, 2015. Collection method: clinical testing. Allele origin: germline. Inheritance: Autosomal dominant inheritance. Observed: 1 variant allele, 1 heterozygote.
Comment: This missense variant replaces glutamic acid with glycine at codon 962 of the BRCA1 protein. This variant is also known as 3004A>G in the literature. Computational prediction is inconclusive regarding the impact of this variant on protein structure and function (internally defined REVEL score threshold 0.5 < inconclusive < 0.7, PMID: 27666373). To our knowledge, functional studies have not been reported for this variant. This variant has been reported in 1 individual affected with breast or ovarian cancer, a suspected hereditary breast and ovarian cancer family, and in 1 unaffected individual (PMID: 17262179, 33471991, 36881271; Leiden Open Variation Database DB-ID BRCA1_006379). This variant has been identified in 2/282752 chromosomes in the general population by the Genome Aggregation Database (gnomAD). The available evidence is insufficient to determine the role of this variant in disease conclusively. Therefore, this variant is classified as a Variant of Uncertain Significance.

This study involves interpretation of variants in research participants for the purpose of population health screening. Participant phenotype was not available at the time of variant classification. Additional details can be found in publication PMID: 35346344, PMCID: PMC8962531

Color Diagnostics, LLC DBA Color Health
Classification: Uncertain significance for Hereditary cancer-predisposing syndrome. Last evaluated: 2023-10-11. Review status: criteria provided, single submitter. Criteria: ACMG Guidelines, 2015. Collection method: clinical testing. Allele origin: germline.
Comment: This missense variant replaces glutamic acid with glycine at codon 962 of the BRCA1 protein. This variant is also known as 3004A>G in the literature. Computational prediction is inconclusive regarding the impact of this variant on protein structure and function (internally defined REVEL score threshold 0.5 < inconclusive < 0.7, PMID: 27666373). To our knowledge, functional studies have not been reported for this variant. This variant has been reported in 1 individual affected with breast or ovarian cancer, a suspected hereditary breast and ovarian cancer family, and in 1 unaffected individual (PMID: 17262179, 33471991, 36881271; Leiden Open Variation Database DB-ID BRCA1_006379). This variant has been identified in 2/282752 chromosomes in the general population by the Genome Aggregation Database (gnomAD). The available evidence is insufficient to determine the role of this variant in disease conclusively. Therefore, this variant is classified as a Variant of Uncertain Significance.

University of Washington Department of Laboratory Medicine, University of Washington
Classification: Likely benign for Hereditary cancer-predisposing syndrome. Last evaluated: 2023-03-23. Review status: criteria provided, single submitter. Criteria: Dines et al. (Genet Med. 2020). Collection method: curation. Allele origin: germline.
Comment: Missense variant in a coldspot region where missense variants are very unlikely to be pathogenic (PMID:31911673).

BRCA1 coldspot (exon 11 using historical exon numbering). Reclassification based on statistical prior probability

Mendelics
Classification: Uncertain significance. Last evaluated: 2022-05-04. Review status: criteria provided, single submitter. Criteria: Mendelics Assertion Criteria 2019. Collection method: clinical testing. Allele origin: germline.

Quest Diagnostics Nichols Institute San Juan Capistrano
Classification: Uncertain significance. Last evaluated: 2018-10-30. Review status: criteria provided, single submitter. Criteria: Quest Diagnostics criteria. Collection method: clinical testing. Allele origin: germline.

Pele Pequeno Principe Research Institute, Faculdades Pequeno Principe
Classification: Uncertain significance for Burkitt lymphoma. Last evaluated: 2021-08-03. Review status: no assertion criteria provided. Collection method: clinical testing. Allele origin: unknown. Inheritance: Autosomal dominant inheritance. Affected: yes. Observed: 1 heterozygote. Not counted in ClinVar's aggregate classification.

Department of Pathology and Laboratory Medicine, Sinai Health System
Classification: Uncertain significance. Review status: no assertion criteria provided. Collection method: clinical testing. Allele origin: unknown. Affected: yes. Observed: 1 variant allele. Study: The Canadian Open Genetics Repository (COGR). Not counted in ClinVar's aggregate classification.

Literature cited by the submitters: PubMed 17262179 (cited by 4 submitters); PubMed 33471991 (cited by All of Us Research Program, National Institutes of Health and Color Diagnostics, LLC DBA Color Health); PubMed 36881271 (cited by All of Us Research Program, National Institutes of Health and Color Diagnostics, LLC DBA Color Health).

NM_007294.4(BRCA1):c.2885A>G (p.Glu962Gly)

Gene: BRCA1 (BRCA1 DNA repair associated; minus strand). Cytogenetic location: 17q21.31.
Variant type: single nucleotide variant.
Coding change: c.2885A>G on transcript NM_007294.4 (MANE Select); coding-DNA position 2885, A replaced by G.
Protein change: p.Glu962Gly; replaces glutamic acid 962 with glycine.
Molecular consequence: missense variant. On other transcripts: intron variant (137).
Genome position (GRCh38, 1-based): chr17:43,092,646, T>C on the plus strand (A>G on the coding strand, the complement: BRCA1 is on the minus strand). VCF-style: chr17-43092646-T-C. GRCh37 (hg19) VCF-style: chr17-41244663-T-C.
Other names: c.2672A>G, p.Glu891Gly (NM_001407571.1, NM_001407853.1, NM_001407894.1 and 9 more transcripts); c.2885A>G, p.Glu962Gly (NM_001407581.1, NM_001407582.1, NM_001407583.1 and 30 more transcripts); c.2882A>G, p.Glu961Gly (NM_001407587.1, NM_001407590.1, NM_001407591.1 and 22 more transcripts); c.2876A>G, p.Glu959Gly (NM_001407646.1, NM_001407647.1); c.2762A>G, p.Glu921Gly (NM_001407648.1, NM_001407664.1, NM_001407665.1 and 19 more transcripts); c.2759A>G, p.Glu920Gly (NM_001407649.1, NM_001407670.1, NM_001407671.1 and 11 more transcripts); c.2807A>G, p.Glu936Gly (NM_001407663.1, NM_001407653.1, NM_001407654.1 and 4 more transcripts); c.2744A>G, p.Glu915Gly (NM_001407727.1, NM_001407728.1, NM_001407729.1 and 29 more transcripts); and 41 more; short protein forms E962G, E915G, E794G, E834G, E835G, E892G, E920G, E959G.
Identifiers: ClinVar variation 574001 (VCV000574001.25), dbSNP rs780367532, ClinGen allele CA058234.